The following is an entry in ClinVar:

NM_173648.4(CCDC141):c.1204G>C (p.Asp402His)

Gene: CCDC141 (coiled-coil domain containing 141; minus strand). Cytogenetic location: 2q31.2.
Variant type: single nucleotide variant.
Coding change: c.1204G>C on transcript NM_173648.4 (MANE Select); coding-DNA position 1204, G replaced by C.
Protein change: p.Asp402His; replaces aspartic acid 402 with histidine.
Molecular consequence: missense variant.
Genome position (GRCh38, 1-based): chr2:178,905,390, C>G on the plus strand (G>C on the coding strand, the complement: CCDC141 is on the minus strand). VCF-style: chr2-178905390-C-G. GRCh37 (hg19) VCF-style: chr2-179770117-C-G.
Other names: c.1204G>C, p.Asp402His (NM_001316745.2); short protein forms D402H.
Identifiers: ClinVar variation 2632466 (VCV002632466.2), dbSNP rs1250474766, ClinGen allele CA349489705.

ClinVar aggregate classification (germline): Uncertain significance (0 of 4 stars; one submission).

Conditions:
CCDC141-related disorder. Also called: CCDC141-related condition.

Allele frequency attached by ClinVar (database versions not stated): TOPMed below 0.00001; gnomAD exomes 0.00001.
gnomAD v4.1: 15 of 1,550,726 alleles (0.00097%); highest among the groups gnomAD compares: Non-Finnish European, 0.0013%; no homozygotes.

Submission:

PreventionGenetics, part of Exact Sciences
Classification: Uncertain significance for CCDC141-related condition. Last evaluated: 2024-08-02. Review status: no assertion criteria provided. Collection method: clinical testing. Allele origin: germline.
Comment: The CCDC141 c.1204G>C variant is predicted to result in the amino acid substitution p.Asp402His. To our knowledge, this variant has not been reported in the literature. This variant is reported in 0.0018% of alleles in individuals of European (non-Finnish) descent in gnomAD. At this time, the clinical significance of this variant is uncertain due to the absence of conclusive functional and genetic evidence.